The following is an entry in ClinVar:

NM_000393.5(COL5A2):c.3344C>G (p.Ala1115Gly)

Gene: COL5A2 (collagen type V alpha 2 chain; minus strand). Cytogenetic location: 2q32.2.
Variant type: single nucleotide variant.
Coding change: c.3344C>G on transcript NM_000393.5 (MANE Select); coding-DNA position 3344, C replaced by G.
Protein change: p.Ala1115Gly; replaces alanine 1115 with glycine.
Molecular consequence: missense variant.
Genome position (GRCh38, 1-based): chr2:189,045,198, G>C on the plus strand (C>G on the coding strand, the complement: COL5A2 is on the minus strand). VCF-style: chr2-189045198-G-C. GRCh37 (hg19) VCF-style: chr2-189909924-G-C.
Other names: NC_000002.11:g.189909924G>C; short protein forms A1115G.
Identifiers: ClinVar variation 4075540 (VCV004075540.2).

ClinVar aggregate classification (germline): Uncertain significance (1 of 4 stars; one submission).

gnomAD v4.1: 1 of 1,605,874 alleles (0.000062%); highest among the groups gnomAD compares: Admixed American, 0.0017%; no homozygotes.

Submissions (2):

GeneDx
Classification: Uncertain significance. Last evaluated: 2025-02-18. Review status: criteria provided, single submitter. Criteria: GeneDx Variant Classification Process June 2021. Collection method: clinical testing. Allele origin: germline. Affected: yes.
Comment: Not observed at significant frequency in large population cohorts (gnomAD); In silico analysis supports that this missense variant has a deleterious effect on protein structure/function; Has not been previously published as pathogenic or benign to our knowledge

Dr. Peter K. Rogan Lab, Western University
No classification provided (evidence only). Condition: Malignant tumor of urinary bladder. Review status: no classification provided. Collection method: in vitro. Allele origin: not applicable. Functional consequence: retained intron. Not counted in ClinVar's aggregate classification.